The following is an entry in ClinVar:

ClinVar aggregate classification (germline): Benign/Likely benign. Review status: criteria provided, multiple submitters, no conflicts (2 of 4 stars). 6 submissions from 6 submitters: Benign (2); Likely benign (4). Last evaluated 2026-08-01.

Conditions:
Developmental and epileptic encephalopathy, 36 (DEE36). Also called: Congenital disorder of glycosylation, type Is; Epileptic encephalopathy, early infantile, 36; ALG13-CDG. Identifiers: Orphanet 324422, MedGen C4317295, MONDO:0010472, OMIM 300884.

Allele frequency attached by ClinVar (database versions not stated): gnomAD 0.00004 and 0.00005; TOPMed 0.00011; ExAC 0.00018; 1000 Genomes Project 0.00026; gnomAD exomes 0.00030; 1000 Genomes Project 30x 0.00042.
gnomAD v4.1: 74 of 1,207,606 alleles (0.0061%); highest among the groups gnomAD compares: Admixed American, 0.15%; no homozygotes.

Submissions (6):

CeGaT Center for Human Genetics Tuebingen
Classification: Likely benign. Last evaluated: 2026-08-01. Review status: criteria provided, single submitter. Criteria: CeGaT Center For Human Genetics Tuebingen Variant Classification Criteria Version 2. Collection method: clinical testing. Allele origin: germline. Affected: yes. Observed: 2 variant alleles.
Comment: ALG13: BP4, BP7, BS2

Labcorp Genetics (formerly Invitae), Labcorp
Classification: Likely benign for Developmental and epileptic encephalopathy, 36. Last evaluated: 2025-12-08. Review status: criteria provided, single submitter. Criteria: Invitae Variant Classification Sherloc (09022015). Collection method: clinical testing. Allele origin: germline.

Athena Diagnostics
Classification: Benign. Last evaluated: 2025-01-31. Review status: criteria provided, single submitter. Criteria: Athena Diagnostics Criteria. Collection method: clinical testing. Allele origin: unknown.
Comment: The frequency of this variant in the general population is higher than would generally be expected for pathogenic variants in this gene.

Genome-Nilou Lab
Classification: Benign for Developmental and epileptic encephalopathy, 36. Last evaluated: 2021-12-05. Review status: criteria provided, single submitter. Criteria: ACMG Guidelines, 2015. Collection method: clinical testing. Allele origin: germline. Affected: no.

Fulgent Genetics
Classification: Likely benign for Developmental and epileptic encephalopathy, 36. Last evaluated: 2021-09-07. Review status: criteria provided, single submitter. Criteria: ACMG Guidelines, 2015. Collection method: clinical testing. Allele origin: unknown.

GeneDx
Classification: Likely benign. Last evaluated: 2021-05-04. Review status: criteria provided, single submitter. Criteria: GeneDx Variant Classification Process June 2021. Collection method: clinical testing. Allele origin: germline. Affected: yes.

NM_001099922.3(ALG13):c.2013G>A (p.Pro671=)

Gene: ALG13 (ALG13 UDP-N-acetylglucosaminyltransferase subunit; plus strand). Cytogenetic location: Xq23.
Variant type: single nucleotide variant.
Coding change: c.2013G>A on transcript NM_001099922.3 (MANE Select); coding-DNA position 2013, G replaced by A.
Protein change: p.Pro671=; no amino-acid change (proline 671 retained).
Molecular consequence: synonymous variant. On other transcripts: non-coding transcript variant (1).
Genome position (GRCh38, 1-based): chrX:111,727,368, G>A. VCF-style: chrX-111727368-G-A. GRCh37 (hg19) VCF-style: chrX-110970596-G-A.
Other names: c.1701G>A, p.Pro567= (NM_001257230.2, NM_001257234.2, NM_001257237.2); c.1779G>A, p.Pro593= (NM_001257231.2); c.2013G>A, p.Pro671= (NM_001324292.2); c.1527G>A, p.Pro509= (NM_001324293.1).
Identifiers: ClinVar variation 446818 (VCV000446818.22), dbSNP rs775697727, ClinGen allele CA10493809.